The following is an entry in ClinVar:

ClinVar aggregate classification (germline): Uncertain significance. Review status: criteria provided, multiple submitters, no conflicts (2 of 4 stars). 4 submissions from 4 submitters: Uncertain significance (4). Last evaluated 2025-01-02.

Conditions:
Inborn genetic diseases. Identifiers: MedGen C0950123, MeSH D030342.

Allele frequency attached by ClinVar (database versions not stated): ExAC 0.00002; gnomAD 0.00002; gnomAD exomes 0.00002 and 0.00004; TOPMed 0.00002; ESP Exome Variant Server 0.00008.
gnomAD v4.1: 65 of 1,613,810 alleles (0.004%); highest among the groups gnomAD compares: Non-Finnish European, 0.005%; no homozygotes.

Submissions (4):

Ambry Genetics
Classification: Uncertain significance for Inborn genetic diseases. Last evaluated: 2025-01-02. Review status: criteria provided, single submitter. Criteria: Ambry Variant Classification Scheme 2023. Collection method: clinical testing. Allele origin: germline.
Comment: The c.644T>C variant (also known as p.I215T), located in coding exon 7 of the DDX41 gene, results from a T to C substitution at nucleotide position 644. The amino acid change results in isoleucine to threonine at codon 215, an amino acid with similar properties. This variant was reported as presumed germline in individuals with features consistent with DDX41-related hematologic malignancy predisposition syndrome (Duployez N et al. Blood, 2022 Aug;140:756-768). (Li P et al. Blood, 2022 Aug;140:716-755). This amino acid position is well conserved in available vertebrate species. In addition, the in silico prediction for this alteration is inconclusive. Based on the available evidence, the clinical significance of this variant remains unclear.

Blueprint Genetics
Classification: Uncertain significance. Last evaluated: 2024-11-06. Review status: criteria provided, single submitter. Criteria: ACMG Guidelines, 2015. Collection method: clinical testing. Allele origin: germline.

Labcorp Genetics (formerly Invitae), Labcorp
Classification: Uncertain significance. Last evaluated: 2024-11-06. Review status: criteria provided, single submitter. Criteria: Invitae Variant Classification Sherloc (09022015). Collection method: clinical testing. Allele origin: germline.
Comment: This sequence change replaces isoleucine, which is neutral and non-polar, with threonine, which is neutral and polar, at codon 215 of the DDX41 protein (p.Ile215Thr). This variant is present in population databases (rs369566052, gnomAD 0.003%). This missense change has been observed in individual(s) with myeloproliferative neoplasms or acute myeloid leukemia (PMID: 35443031, 35671390). ClinVar contains an entry for this variant (Variation ID: 1321619). An algorithm developed to predict the effect of missense changes on protein structure and function (PolyPhen-2) suggests that this variant is likely to be tolerated. In summary, the available evidence is currently insufficient to determine the role of this variant in disease. Therefore, it has been classified as a Variant of Uncertain Significance.

GeneDx
Classification: Uncertain significance. Last evaluated: 2021-12-03. Review status: criteria provided, single submitter. Criteria: GeneDx Variant Classification Process June 2021. Collection method: clinical testing. Allele origin: germline. Affected: yes.
Comment: Not observed at a significant frequency in large population cohorts (Lek et al., 2016); In silico analysis supports that this missense variant does not alter protein structure/function; Has not been previously published as pathogenic or benign to our knowledge; This variant is associated with the following publications: (PMID: 27721487)

Literature cited by the submitters: PubMed 35443031 (cited by Ambry Genetics and Labcorp Genetics (formerly Invitae), Labcorp); PubMed 35671390 (cited by Ambry Genetics and Labcorp Genetics (formerly Invitae), Labcorp).

NM_016222.4(DDX41):c.644T>C (p.Ile215Thr)

Gene: DDX41 (DEAD-box helicase 41; minus strand). Cytogenetic location: 5q35.3.
Variant type: single nucleotide variant.
Coding change: c.644T>C on transcript NM_016222.4 (MANE Select); coding-DNA position 644, T replaced by C.
Protein change: p.Ile215Thr; replaces isoleucine 215 with threonine.
Molecular consequence: missense variant.
Genome position (GRCh38, 1-based): chr5:177,515,186, A>G on the plus strand (T>C on the coding strand, the complement: DDX41 is on the minus strand). VCF-style: chr5-177515186-A-G. GRCh37 (hg19) VCF-style: chr5-176942187-A-G.
Other names: c.266T>C, p.Ile89Thr (NM_001321732.2, NM_001321830.2); short protein forms I215T, I89T.
Identifiers: ClinVar variation 1321619 (VCV001321619.8), dbSNP rs369566052, ClinGen allele CA3585084.